The following is an entry in ClinVar:

NM_001267550.2(TTN):c.107971del (p.Ile35991fs)

Genes: TTN (titin; minus strand), TTN-AS1 (TTN antisense RNA 1; plus strand). Cytogenetic location: 2q31.2.
Variant type: Deletion.
Coding change: c.107971del on transcript NM_001267550.2 (MANE Select); coding-DNA position 107971, one base deleted (A; older notation c.107971delA).
Protein change: p.Ile35991fs; shifts the reading frame from isoleucine 35991.
Molecular consequence: frameshift variant.
Genome position (GRCh38, 1-based): chr2:178,527,017, T deleted on the plus strand (A on the coding strand, the reverse complement: TTN is on the minus strand). VCF-style (leftmost placement, unchanged base first): chr2-178527016-AT-A. GRCh37 (hg19) VCF-style: chr2-179391743-AT-A.
Other names: c.103048del, p.Ile34350fs (NM_001256850.1); c.80776del, p.Ile26926fs (NM_003319.4); c.100267del, p.Ile33423fs (NM_133378.4); c.81151del, p.Ile27051fs (NM_133432.3); c.81352del, p.Ile27118fs (NM_133437.4); short protein forms I26926fs, I27051fs, I35991fs, I33423fs, I27118fs, I34350fs.
Identifiers: ClinVar variation 191803 (VCV000191803.1), dbSNP rs786205289, ClinGen allele CA237589.
Genomic context (GRCh38, chr2:178,527,016, plus strand): 5'-GTGAAACGTTTGCGAAAAGTTAAGAATGAGTGTAGAGTATAAGGGCACAGGCCCTCTTAA[AT>A]GGATCGAATATGTATATTCACAGTGGCAGAGTCAGATCCAAATTCATTCCCTAAACTCAG-3'

ClinVar aggregate classification (germline): Uncertain significance (1 of 4 stars; one submission).

Submission:

Biesecker Lab/Clinical Genomics Section, National Institutes of Health
Classification: Uncertain significance. Last evaluated: 2013-06-24. Review status: criteria provided, single submitter. Criteria: Ng et al. (Circ Cardiovasc Genet. 2013). Collection method: research. Allele origin: unknown. Observed: 1 variant allele. Study: ClinSeq.
Comment: The study set was not selected for affection status in relation to any cancer. Pathogenicity categories were based on literature curation. See Pubmed ID:23861362 for details.

Medical sequencing